The following is an entry in ClinVar:

NM_000062.3(SERPING1):c.1187T>A (p.Leu396Gln)

Gene: SERPING1 (serpin family G member 1; plus strand). Cytogenetic location: 11q12.1.
Variant type: single nucleotide variant.
Coding change: c.1187T>A on transcript NM_000062.3 (MANE Select); coding-DNA position 1187, T replaced by A.
Protein change: p.Leu396Gln; replaces leucine 396 with glutamine.
Molecular consequence: missense variant.
Genome position (GRCh38, 1-based): chr11:57,611,874, T>A. VCF-style: chr11-57611874-T-A. GRCh37 (hg19) VCF-style: chr11-57379347-T-A.
Other names: c.1187T>A, p.Leu396Gln (NM_001032295.2); short protein forms L396Q.
Identifiers: ClinVar variation 2764929 (VCV002764929.3), dbSNP rs1945480228, ClinGen allele CA380703295.

ClinVar aggregate classification (germline): Uncertain significance (1 of 4 stars; one submission).

Submission:

Labcorp Genetics (formerly Invitae), Labcorp
Classification: Uncertain significance. Last evaluated: 2024-08-07. Review status: criteria provided, single submitter. Criteria: Invitae Variant Classification Sherloc (09022015). Collection method: clinical testing. Allele origin: germline.
Comment: This sequence change replaces leucine, which is neutral and non-polar, with glutamine, which is neutral and polar, at codon 396 of the SERPING1 protein (p.Leu396Gln). This variant is not present in population databases (gnomAD no frequency). This variant has not been reported in the literature in individuals affected with SERPING1-related conditions. Advanced modeling of protein sequence and biophysical properties (such as structural, functional, and spatial information, amino acid conservation, physicochemical variation, residue mobility, and thermodynamic stability) has been performed at Invitae for this missense variant, however the output from this modeling did not meet the statistical confidence thresholds required to predict the impact of this variant on SERPING1 protein function. This variant disrupts the p.Leu396 amino acid residue in SERPING1. Other variant(s) that disrupt this residue have been determined to be pathogenic (PMID: 18758157; Invitae). This suggests that this residue is clinically significant, and that variants that disrupt this residue are likely to be disease-causing. In summary, the available evidence is currently insufficient to determine the role of this variant in disease. Therefore, it has been classified as a Variant of Uncertain Significance.

Literature cited by the submitters: PubMed 18758157.